The following is an entry in ClinVar:

NM_000075.4(CDK4):c.43G>A (p.Gly15Ser)

Gene: CDK4 (cyclin dependent kinase 4; minus strand). Cytogenetic location: 12q14.1.
Variant type: single nucleotide variant.
Coding change: c.43G>A on transcript NM_000075.4 (MANE Select); coding-DNA position 43, G replaced by A.
Protein change: p.Gly15Ser; replaces glycine 15 with serine.
Molecular consequence: missense variant.
Genome position (GRCh38, 1-based): chr12:57,751,675, C>T on the plus strand (G>A on the coding strand, the complement: CDK4 is on the minus strand). VCF-style: chr12-57751675-C-T. GRCh37 (hg19) VCF-style: chr12-58145458-C-T.
Other names: short protein forms G15S.
Identifiers: ClinVar variation 463466 (VCV000463466.12), dbSNP rs1355460580, ClinGen allele CA385549123.

ClinVar aggregate classification (germline): Uncertain significance. Review status: criteria provided, multiple submitters, no conflicts (2 of 4 stars). 2 submissions from 2 submitters: Uncertain significance (2). Last evaluated 2025-04-10.

Conditions:
Familial melanoma. Also called: Hereditary melanoma; Hereditary cutaneous melanoma. Identifiers: Orphanet 618, MedGen C1512419, MONDO:0018961.
Hereditary cancer-predisposing syndrome. Also called: Neoplastic Syndromes, Hereditary; Hereditary Cancer Syndrome; Hereditary neoplastic syndrome; Tumor predisposition. Identifiers: Orphanet 140162, MedGen C0027672, MeSH D009386, MONDO:0015356.

Allele frequency attached by ClinVar (database versions not stated): gnomAD exomes below 0.00001.
gnomAD v4.1: 1 of 1,614,174 alleles (0.000062%); highest among the groups gnomAD compares: Non-Finnish European, 0.000085%; no homozygotes.

Submissions (2):

Labcorp Genetics (formerly Invitae), Labcorp
Classification: Uncertain significance for Familial melanoma. Last evaluated: 2025-04-10. Review status: criteria provided, single submitter. Criteria: Invitae Variant Classification Sherloc (09022015). Collection method: clinical testing. Allele origin: germline.
Comment: This sequence change replaces glycine, which is neutral and non-polar, with serine, which is neutral and polar, at codon 15 of the CDK4 protein (p.Gly15Ser). This variant is present in population databases (no rsID available, gnomAD 0.0009%). This variant has not been reported in the literature in individuals affected with CDK4-related conditions. ClinVar contains an entry for this variant (Variation ID: 463466). Invitae Evidence Modeling of protein sequence and biophysical properties (such as structural, functional, and spatial information, amino acid conservation, physicochemical variation, residue mobility, and thermodynamic stability) indicates that this missense variant is expected to disrupt CDK4 protein function with a positive predictive value of 95%. In summary, the available evidence is currently insufficient to determine the role of this variant in disease. Therefore, it has been classified as a Variant of Uncertain Significance.

Ambry Genetics
Classification: Uncertain significance for Hereditary cancer-predisposing syndrome. Last evaluated: 2023-11-02. Review status: criteria provided, single submitter. Criteria: Ambry Variant Classification Scheme 2023. Collection method: clinical testing. Allele origin: germline.
Comment: The p.G15S variant (also known as c.43G>A), located in coding exon 1 of the CDK4 gene, results from a G to A substitution at nucleotide position 43. The glycine at codon 15 is replaced by serine, an amino acid with similar properties. This amino acid position is highly conserved in available vertebrate species. In addition, this alteration is predicted to be deleterious by in silico analysis. Since supporting evidence is limited at this time, the clinical significance of this alteration remains unclear.